The following is an entry in ClinVar:

NM_001220.5(CAMK2B):c.1117C>T (p.Pro373Ser)

Gene: CAMK2B (calcium/calmodulin dependent protein kinase II beta; minus strand). Cytogenetic location: 7p13.
Variant type: single nucleotide variant.
Coding change: c.1117C>T on transcript NM_001220.5 (MANE Select); coding-DNA position 1117, C replaced by T.
Protein change: p.Pro373Ser; replaces proline 373 with serine.
Molecular consequence: missense variant. On other transcripts: intron variant (3).
Genome position (GRCh38, 1-based): chr7:44,234,404, G>A on the plus strand (C>T on the coding strand, the complement: CAMK2B is on the minus strand). VCF-style: chr7-44234404-G-A. GRCh37 (hg19) VCF-style: chr7-44274003-G-A.
Other names: c.1045C>T, p.Pro349Ser (NM_172081.3, NM_172079.3); c.946+6303C>T (NM_172084.3); c.1117C>T, p.Pro373Ser (NM_001293170.2, NM_172078.3); c.1042C>T, p.Pro348Ser (NM_172080.3); c.987+235C>T (NM_172083.3); c.1059+235C>T (NM_172082.3); short protein forms P348S, P349S, P373S.
Identifiers: ClinVar variation 2581966 (VCV002581966.3), dbSNP rs754924723, ClinGen allele CA4240472.

ClinVar aggregate classification (germline): Uncertain significance. Review status: criteria provided, multiple submitters, no conflicts (2 of 4 stars). 2 submissions from 2 submitters: Uncertain significance (2). Last evaluated 2023-08-02.

Conditions:
Inborn genetic diseases. Identifiers: MedGen C0950123, MeSH D030342.

Allele frequency attached by ClinVar (database versions not stated): gnomAD exomes below 0.00001; ExAC 0.00004.
gnomAD v4.1: 1 of 1,533,468 alleles (0.000065%); highest among the groups gnomAD compares: Non-Finnish European, 0.000087%; no homozygotes.

Submissions (2):

Ambry Genetics
Classification: Uncertain significance for Inborn genetic diseases. Last evaluated: 2023-08-02. Review status: criteria provided, single submitter. Criteria: Ambry Variant Classification Scheme 2023. Collection method: clinical testing. Allele origin: germline.

GeneDx
Classification: Uncertain significance. Last evaluated: 2023-03-29. Review status: criteria provided, single submitter. Criteria: GeneDx Variant Classification Process June 2021. Collection method: clinical testing. Allele origin: germline. Affected: yes.
Comment: In silico analysis supports that this missense variant does not alter protein structure/function; Has not been previously published as pathogenic or benign to our knowledge